The following is an entry in ClinVar:

NM_000179.3(MSH6):c.1320T>G (p.Ala440=)

Gene: MSH6 (mutS homolog 6; plus strand). Cytogenetic location: 2p16.3.
Variant type: single nucleotide variant.
Coding change: c.1320T>G on transcript NM_000179.3 (MANE Select); coding-DNA position 1320, T replaced by G.
Protein change: p.Ala440=; no amino-acid change (alanine 440 retained).
Molecular consequence: synonymous variant.
Genome position (GRCh38, 1-based): chr2:47,799,303, T>G. VCF-style: chr2-47799303-T-G. GRCh37 (hg19) VCF-style: chr2-48026442-T-G.
Other names: c.930T>G, p.Ala310= (NM_001281492.2); c.414T>G, p.Ala138= (NM_001281493.2, NM_001281494.2).
Identifiers: ClinVar variation 507348 (VCV000507348.12), dbSNP rs1553412747, ClinGen allele CA426121002.

ClinVar aggregate classification (germline): Benign/Likely benign. Review status: criteria provided, multiple submitters, no conflicts (2 of 4 stars). 4 submissions from 4 submitters: Benign (1); Likely benign (3). Last evaluated 2025-10-01.

Conditions:
Hereditary nonpolyposis colorectal neoplasms. Identifiers: MedGen C0009405, MeSH D003123.
Hereditary cancer-predisposing syndrome. Also called: Hereditary neoplastic syndrome; Hereditary Cancer Syndrome; Neoplastic Syndromes, Hereditary; Tumor predisposition. Identifiers: Orphanet 140162, MedGen C0027672, MeSH D009386, MONDO:0015356.
Lynch syndrome 5 (LYNCH5). Also called: Hereditary non-polyposis colorectal cancer, type 5; Colorectal cancer, hereditary nonpolyposis, type 5. Identifiers: Orphanet 144, MedGen C1833477, MONDO:0013710, OMIM 614350. Disease mechanism: loss of function.

Submissions (4):

Labcorp Genetics (formerly Invitae), Labcorp
Classification: Likely benign for Hereditary nonpolyposis colorectal neoplasms. Last evaluated: 2025-10-01. Review status: criteria provided, single submitter. Criteria: Invitae Variant Classification Sherloc (09022015). Collection method: clinical testing. Allele origin: germline.

Myriad Genetics, Inc.
Classification: Benign for Lynch syndrome 5. Last evaluated: 2024-12-26. Review status: criteria provided, single submitter. Criteria: Myriad Autosomal Dominant, Autosomal Recessive and X-Linked Classification Criteria (2023). Collection method: clinical testing. Allele origin: unknown.
Comment: This variant is considered benign. This variant is a silent/synonymous amino acid change and it is not expected to impact splicing.

Ambry Genetics
Classification: Likely benign for Hereditary cancer-predisposing syndrome. Last evaluated: 2023-06-12. Review status: criteria provided, single submitter. Criteria: Ambry Variant Classification Scheme 2023. Collection method: clinical testing. Allele origin: germline.

GeneDx
Classification: Likely benign. Last evaluated: 2017-02-09. Review status: criteria provided, single submitter. Criteria: GeneDx Variant Classification (06012015). Collection method: clinical testing. Allele origin: germline. Affected: yes.
Comment: This variant is considered likely benign or benign based on one or more of the following criteria: it is a conservative change, it occurs at a poorly conserved position in the protein, it is predicted to be benign by multiple in silico algorithms, and/or has population frequency not consistent with disease.